The following is an entry in ClinVar:

NM_017617.5(NOTCH1):c.6822C>A (p.Ser2274=)

Gene: NOTCH1 (notch receptor 1; minus strand). Cytogenetic location: 9q34.3.
Variant type: single nucleotide variant.
Coding change: c.6822C>A on transcript NM_017617.5 (MANE Select); coding-DNA position 6822, C replaced by A.
Protein change: p.Ser2274=; no amino-acid change (serine 2274 retained).
Molecular consequence: synonymous variant.
Genome position (GRCh38, 1-based): chr9:136,496,917, G>T on the plus strand (C>A on the coding strand, the complement: NOTCH1 is on the minus strand). VCF-style: chr9-136496917-G-T. GRCh37 (hg19) VCF-style: chr9-139391369-G-T.
Other names: c.6822C>A, p.Ser2274= (LRG_1122t1).
Identifiers: ClinVar variation 507760 (VCV000507760.13), dbSNP rs754675254, ClinGen allele CA5339811.

ClinVar aggregate classification (germline): Likely benign. Review status: criteria provided, multiple submitters, no conflicts (2 of 4 stars). 5 submissions from 4 submitters: Likely benign (5). Last evaluated 2026-01-15.

Conditions:
Aortic valve disease 1 (AOVD1). Identifiers: MedGen C3887892, MONDO:0024523, OMIM 109730.
Familial thoracic aortic aneurysm and aortic dissection (TAAD). Also called: Thoracic aortic aneurysms and dissections. Identifiers: Orphanet 91387, MedGen C4707243, MONDO:0019625.
Adams-Oliver syndrome 5 (AOS5). Identifiers: Orphanet 974, MedGen C4014970, MONDO:0014459, OMIM 616028.

Allele frequency attached by ClinVar (database versions not stated): ExAC 0.00001; gnomAD exomes 0.00001 and 0.00002; TOPMed 0.00001; gnomAD 0.00003 and 0.00004.
gnomAD v4.1: 29 of 1,612,366 alleles (0.0018%); highest among the groups gnomAD compares: Admixed American, 0.005%; no homozygotes.

Submissions (5):

Labcorp Genetics (formerly Invitae), Labcorp
Classification: Likely benign for Adams-Oliver syndrome 5. Last evaluated: 2026-01-15. Review status: criteria provided, single submitter. Criteria: Invitae Variant Classification Sherloc (09022015). Collection method: clinical testing. Allele origin: germline.

Genome-Nilou Lab
Classification: Likely benign for Adams-Oliver syndrome 5. Last evaluated: 2022-03-15. Review status: criteria provided, single submitter. Criteria: ACMG Guidelines, 2015. Collection method: clinical testing. Allele origin: germline. Affected: no.

Genome-Nilou Lab
Classification: Likely benign for Aortic valve disease 1. Last evaluated: 2022-03-15. Review status: criteria provided, single submitter. Criteria: ACMG Guidelines, 2015. Collection method: clinical testing. Allele origin: germline. Affected: no.

Ambry Genetics
Classification: Likely benign for Familial thoracic aortic aneurysm and aortic dissection. Last evaluated: 2019-10-31. Review status: criteria provided, single submitter. Criteria: Ambry Variant Classification Scheme 2023. Collection method: clinical testing. Allele origin: germline.

GeneDx
Classification: Likely benign. Last evaluated: 2017-03-07. Review status: criteria provided, single submitter. Criteria: GeneDx Variant Classification (06012015). Collection method: clinical testing. Allele origin: germline. Affected: yes.
Comment: This variant is considered likely benign or benign based on one or more of the following criteria: it is a conservative change, it occurs at a poorly conserved position in the protein, it is predicted to be benign by multiple in silico algorithms, and/or has population frequency not consistent with disease.